The following is an entry in ClinVar:

ClinVar aggregate classification (germline): Pathogenic/Likely pathogenic. Review status: criteria provided, multiple submitters, no conflicts (2 of 4 stars). 2 submissions from 2 submitters: Pathogenic (1); Likely pathogenic (1). Last evaluated 2024-07-08.

Conditions:
Hyperornithinemia-hyperammonemia-homocitrullinuria syndrome (HHHS). Also called: HHH SYNDROME; Ornithine translocase deficiency. Identifiers: Orphanet 415, MedGen C0268540, MONDO:0009393, OMIM 238970.

Submissions (2):

Natera, Inc.
Classification: Likely pathogenic for Hyperornithinemia-hyperammonemia-homocitrullinuria syndrome. Last evaluated: 2024-07-08. Review status: criteria provided, single submitter. Criteria: Natera Variant Classification Schema (03/2026). Collection method: clinical testing. Allele origin: germline.
Comment: The c.594dup variant in SLC25A15 is a frameshift variant predicted to shift the reading frame beginning at codon 199 and leads to a stop codon 8 codons downstream. This variant is expected to result in nonsense mediated decay, truncation, or a dysfunctional protein product. This variant is rare in the general population with a frequency below the threshold expected for the associated phenotype(s). Given the available evidence, this variant is classified as Likely Pathogenic.

Labcorp Genetics (formerly Invitae), Labcorp
Classification: Pathogenic for Hyperornithinemia-hyperammonemia-homocitrullinuria syndrome. Last evaluated: 2024-01-27. Review status: criteria provided, single submitter. Criteria: Invitae Variant Classification Sherloc (09022015). Collection method: clinical testing. Allele origin: germline.
Comment: This sequence change creates a premature translational stop signal (p.Ala199Cysfs*8) in the SLC25A15 gene. It is expected to result in an absent or disrupted protein product. Loss-of-function variants in SLC25A15 are known to be pathogenic (PMID: 11552031, 19242930). This variant is not present in population databases (gnomAD no frequency). This variant has not been reported in the literature in individuals affected with SLC25A15-related conditions. Algorithms developed to predict the effect of sequence changes on RNA splicing suggest that this variant may disrupt the consensus splice site. For these reasons, this variant has been classified as Pathogenic.

Literature cited by the submitters: PubMed 11552031 (cited by Labcorp Genetics (formerly Invitae), Labcorp); PubMed 19242930 (cited by Labcorp Genetics (formerly Invitae), Labcorp).

NM_014252.4(SLC25A15):c.594dup (p.Ala199fs)

Gene: SLC25A15 (solute carrier family 25 member 15; plus strand). Cytogenetic location: 13q14.11.
Variant type: Duplication.
Coding change: c.594dup on transcript NM_014252.4 (MANE Select); coding-DNA position 594, one base duplicated (T; older notation c.594dupT).
Protein change: p.Ala199fs; shifts the reading frame from alanine 199.
Molecular consequence: frameshift variant.
Genome position (GRCh38, 1-based): chr13:40,807,435, T duplicated; the last of 6 consecutive T bases (chr13:40,807,430-40,807,435); duplicating any one gives the same sequence. VCF-style (leftmost placement, unchanged base first): chr13-40807429-C-CT. GRCh37 (hg19) VCF-style: chr13-41381565-C-CT.
Other names: c.594dup (NM_014252.3); short protein forms A199fs.
Identifiers: ClinVar variation 2713509 (VCV002713509.4), dbSNP rs2546922090, ClinGen allele CA2575400352.
Genomic context (GRCh38, chr13:40,807,429, plus strand): 5'-TTTACTTCGAGAAGTACCAGGCTATTTCTTCTTCTTCGGTGGCTATGAACTGAGCCGGTC[C>CT]TTTTTTGCATCAGGGAGATCAAAAGATGAATTAGGTAAATGTGTTTGCATTGACAGCAGT-3'